The following is an entry in ClinVar:

ClinVar aggregate classification (germline): Uncertain significance (1 of 4 stars; one submission).

Allele frequency attached by ClinVar (database versions not stated): TOPMed 0.00002; gnomAD exomes 0.00003; gnomAD 0.00004; ExAC 0.00005; ESP Exome Variant Server 0.00022.
gnomAD v4.1: 76 of 1,551,518 alleles (0.0049%); highest among the groups gnomAD compares: Non-Finnish European, 0.0063%; no homozygotes.

Submission:

Labcorp Genetics (formerly Invitae), Labcorp
Classification: Uncertain significance. Last evaluated: 2024-07-08. Review status: criteria provided, single submitter. Criteria: Invitae Variant Classification Sherloc (09022015). Collection method: clinical testing. Allele origin: germline.
Comment: This sequence change replaces proline, which is neutral and non-polar, with leucine, which is neutral and non-polar, at codon 400 of the FAM65B protein (p.Pro400Leu). This variant is present in population databases (rs373238039, gnomAD 0.01%). This variant has not been reported in the literature in individuals affected with FAM65B-related conditions. ClinVar contains an entry for this variant (Variation ID: 1680506). Algorithms developed to predict the effect of missense changes on protein structure and function output the following: SIFT: "Not Available"; PolyPhen-2: "Benign"; Align-GVGD: "Not Available". The leucine amino acid residue is found in multiple mammalian species, which suggests that this missense change does not adversely affect protein function. In summary, the available evidence is currently insufficient to determine the role of this variant in disease. Therefore, it has been classified as a Variant of Uncertain Significance.

NM_001286445.3(RIPOR2):c.1164+455C>T

Gene: RIPOR2 (RHO family interacting cell polarization regulator 2; minus strand). Cytogenetic location: 6p22.3.
Variant type: single nucleotide variant.
Coding change: c.1164+455C>T on transcript NM_001286445.3 (MANE Select); 455 bases into the intron after coding-DNA position 1164, C replaced by T.
Molecular consequence: intron variant. On other transcripts: missense variant (1).
Genome position (GRCh38, 1-based): chr6:24,847,570, G>A on the plus strand (C>T on the coding strand, the complement: RIPOR2 is on the minus strand). VCF-style: chr6-24847570-G-A. GRCh37 (hg19) VCF-style: chr6-24847798-G-A.
Other names: c.1199C>T, p.Pro400Leu (NM_014722.5); c.1077+455C>T (NM_001346031.2, NM_001346032.2, NM_015864.5 and 1 more transcripts); c.1179+455C>T (NM_001286446.3); short protein forms P400L.
Identifiers: ClinVar variation 1680506 (VCV001680506.6), dbSNP rs373238039, ClinGen allele CA3659302.